The following is an entry in ClinVar:

NM_017780.4(CHD7):c.6924G>A (p.Ser2308=)

Gene: CHD7 (chromodomain helicase DNA binding protein 7; plus strand). Cytogenetic location: 8q12.2.
Variant type: single nucleotide variant.
Coding change: c.6924G>A on transcript NM_017780.4 (MANE Select); coding-DNA position 6924, G replaced by A.
Protein change: p.Ser2308=; no amino-acid change (serine 2308 retained).
Molecular consequence: synonymous variant. On other transcripts: intron variant (1).
Genome position (GRCh38, 1-based): chr8:60,854,511, G>A. VCF-style: chr8-60854511-G-A. GRCh37 (hg19) VCF-style: chr8-61767070-G-A.
Other names: c.1717-7718G>A (NM_001316690.1).
Identifiers: ClinVar variation 363476 (VCV000363476.49), dbSNP rs61733338, ClinGen allele CA4760693.

ClinVar aggregate classification (germline): Benign/Likely benign. Review status: criteria provided, multiple submitters, no conflicts (2 of 4 stars). 8 submissions from 8 submitters: Benign (3); Likely benign (5). Last evaluated 2026-08-01.

Conditions:
Hypogonadotropic hypogonadism 5 with or without anosmia (KAL5). Also called: HYPOGONADOTROPIC HYPOGONADISM 5 WITH ANOSMIA; HYPOGONADOTROPHIC HYPOGONADISM 5 WITHOUT ANOSMIA; CHD7-Related GnRH Deficiency (Kallmann Syndrome 5). Identifiers: Orphanet 478, MedGen C3552553, MONDO:0012880, OMIM 612370. Disease mechanism: loss of function.
Inborn genetic diseases. Identifiers: MedGen C0950123, MeSH D030342.
CHARGE syndrome (CHARGE). Also called: CHARGE ASSOCIATION--COLOBOMA, HEART ANOMALY, CHOANAL ATRESIA, RETARDATION, GENITAL AND EAR ANOMALIES; Coloboma, heart anomaly, choanal atresia, retardation, genital and ear anomalies; CHARGE association; Hall-Hittner syndrome; Hittner Hirsch Kreh syndrome. Identifiers: Orphanet 138, MedGen C0265354, MONDO:0008965.

Allele frequency attached by ClinVar (database versions not stated): TOPMed 0.00157; ESP Exome Variant Server 0.00183; 1000 Genomes Project 0.00240; 1000 Genomes Project 30x 0.00312.
gnomAD v4.1: 495 of 1,598,904 alleles (0.031%); highest among the groups gnomAD compares: African/African-American, 0.52%; 1 homozygote.

Submissions (8):

CeGaT Center for Human Genetics Tuebingen
Classification: Likely benign. Last evaluated: 2026-08-01. Review status: criteria provided, single submitter. Criteria: CeGaT Center For Human Genetics Tuebingen Variant Classification Criteria Version 2. Collection method: clinical testing. Allele origin: germline. Affected: yes. Observed: 3 variant alleles.
Comment: CHD7: BP4, BP7, BS1

Labcorp Genetics (formerly Invitae), Labcorp
Classification: Benign for CHARGE syndrome. Last evaluated: 2026-01-26. Review status: criteria provided, single submitter. Criteria: Invitae Variant Classification Sherloc (09022015). Collection method: clinical testing. Allele origin: germline.

Blueprint Genetics
Classification: Likely benign. Last evaluated: 2024-11-25. Review status: criteria provided, single submitter. Criteria: ACMG Guidelines, 2015. Collection method: clinical testing. Allele origin: germline.

Fulgent Genetics
Classification: Likely benign for CHD7-related CHARGE syndrome; Hypogonadotropic hypogonadism 5 with or without anosmia. Last evaluated: 2021-09-03. Review status: criteria provided, single submitter. Criteria: ACMG Guidelines, 2015. Collection method: clinical testing. Allele origin: unknown.

GeneDx
Classification: Benign. Last evaluated: 2018-12-13. Review status: criteria provided, single submitter. Criteria: GeneDx Variant Classification Process June 2021. Collection method: clinical testing. Allele origin: germline. Affected: yes.

Illumina Laboratory Services, Illumina
Classification: Benign for Kallmann Syndrome 5. Last evaluated: 2018-01-12. Review status: criteria provided, single submitter. Criteria: ICSL Variant Classification Criteria 13 December 2019. Collection method: clinical testing. Allele origin: germline.
Comment: This variant was observed in the ICSL laboratory as part of a predisposition screen in an ostensibly healthy population. It had not been previously curated by ICSL or reported in the Human Gene Mutation Database (HGMD: prior to June 1st, 2018), and was therefore a candidate for classification through an automated scoring system. Utilizing variant allele frequency, disease prevalence and penetrance estimates, and inheritance mode, an automated score was calculated to assess if this variant is too frequent to cause the disease. Based on the score and internal cut-off values, a variant classified as benign is not then subjected to further curation. The score for this variant resulted in a classification of benign for this disease.

Ambry Genetics
Classification: Likely benign for Inborn genetic diseases. Last evaluated: 2016-10-10. Review status: criteria provided, single submitter. Criteria: Ambry Variant Classification Scheme 2023. Collection method: clinical testing. Allele origin: germline.

Breakthrough Genomics
Classification: Likely benign. Review status: criteria provided, single submitter. Criteria: ACMG Guidelines, 2015. Collection method: not provided. Allele origin: germline. Inheritance: Autosomal dominant inheritance. Affected: yes.